The following is an entry in ClinVar:

NM_000843.4(GRM6):c.2502G>A (p.Met834Ile)

Genes: GRM6 (glutamate metabotropic receptor 6; minus strand), ZNF454 (zinc finger protein 454; plus strand). Cytogenetic location: 5q35.3.
Variant type: single nucleotide variant.
Coding change: c.2502G>A on transcript NM_000843.4 (MANE Select); coding-DNA position 2502, G replaced by A.
Protein change: p.Met834Ile; replaces methionine 834 with isoleucine.
Molecular consequence: missense variant.
Genome position (GRCh38, 1-based): chr5:178,981,789, C>T on the plus strand (G>A on the coding strand, the complement: GRM6 is on the minus strand). VCF-style: chr5-178981789-C-T. GRCh37 (hg19) VCF-style: chr5-178408790-C-T.
Other names: c.2502G>A (NM_000843.3); short protein forms M834I.
Identifiers: ClinVar variation 1524837 (VCV001524837.9), dbSNP rs746340451, ClinGen allele CA133016530.

ClinVar aggregate classification (germline): Uncertain significance. Review status: criteria provided, multiple submitters, no conflicts (2 of 4 stars). 2 submissions from 2 submitters: Uncertain significance (2). Last evaluated 2024-02-05.

Conditions:
Inborn genetic diseases. Identifiers: MedGen C0950123, MeSH D030342.

Allele frequency attached by ClinVar (database versions not stated): gnomAD exomes below 0.00001; TOPMed below 0.00001; gnomAD 0.00001.
gnomAD v4.1: 3 of 1,612,628 alleles (0.00019%); highest among the groups gnomAD compares: Admixed American, 0.005%; no homozygotes.

Submissions (2):

Ambry Genetics
Classification: Uncertain significance for Inborn genetic diseases. Last evaluated: 2024-02-05. Review status: criteria provided, single submitter. Criteria: Ambry Variant Classification Scheme 2023. Collection method: clinical testing. Allele origin: germline.

Labcorp Genetics (formerly Invitae), Labcorp
Classification: Uncertain significance. Last evaluated: 2022-10-17. Review status: criteria provided, single submitter. Criteria: Invitae Variant Classification Sherloc (09022015). Collection method: clinical testing. Allele origin: germline.
Comment: In summary, the available evidence is currently insufficient to determine the role of this variant in disease. Therefore, it has been classified as a Variant of Uncertain Significance. Advanced modeling of protein sequence and biophysical properties (such as structural, functional, and spatial information, amino acid conservation, physicochemical variation, residue mobility, and thermodynamic stability) performed at Invitae indicates that this missense variant is not expected to disrupt GRM6 protein function. ClinVar contains an entry for this variant (Variation ID: 1524837). This variant has not been reported in the literature in individuals affected with GRM6-related conditions. This variant is present in population databases (rs746340451, gnomAD 0.1%). This sequence change replaces methionine, which is neutral and non-polar, with isoleucine, which is neutral and non-polar, at codon 834 of the GRM6 protein (p.Met834Ile).